The following is an entry in ClinVar:

NM_000383.4(AIRE):c.1481G>T (p.Arg494Leu)

Gene: AIRE (autoimmune regulator; plus strand). Cytogenetic location: 21q22.3.
Variant type: single nucleotide variant.
Coding change: c.1481G>T on transcript NM_000383.4 (MANE Select); coding-DNA position 1481, G replaced by T.
Protein change: p.Arg494Leu; replaces arginine 494 with leucine.
Molecular consequence: missense variant.
Genome position (GRCh38, 1-based): chr21:44,294,481, G>T. VCF-style: chr21-44294481-G-T. GRCh37 (hg19) VCF-style: chr21-45714364-G-T.
Other names: short protein forms R494L.
Identifiers: ClinVar variation 1042199 (VCV001042199.11), dbSNP rs528762050, ClinGen allele CA410425999.

ClinVar aggregate classification (germline): Uncertain significance. Review status: criteria provided, single submitter (1 of 4 stars). 2 submissions from 2 submitters: Uncertain significance (1). 1 of the submissions does not count toward it. Last evaluated 2025-04-07.

Conditions:
Polyglandular autoimmune syndrome, type 1 (APS1). Also called: PGA I; Whitaker syndrome; Autoimmune polyendocrine syndrome type 1; Autoimmune polyendocrinopathy syndrome, type I; HYPOADRENOCORTICISM WITH HYPOPARATHYROIDISM AND SUPERFICIAL MONILIASIS; AUTOIMMUNE POLYENDOCRINE SYNDROME, TYPE I, WITH OR WITHOUT REVERSIBLE METAPHYSEAL DYSPLASIA. Identifiers: Orphanet 3453, MedGen C0085859, MONDO:0009411, OMIM 240300.

gnomAD v4.1: 8 of 1,532,604 alleles (0.00052%); highest among the groups gnomAD compares: South Asian, 0.0085%; no homozygotes.

Submissions (2):

Labcorp Genetics (formerly Invitae), Labcorp
Classification: Uncertain significance for Polyglandular autoimmune syndrome, type 1. Last evaluated: 2025-04-07. Review status: criteria provided, single submitter. Criteria: Invitae Variant Classification Sherloc (09022015). Collection method: clinical testing. Allele origin: germline.
Comment: This sequence change replaces arginine, which is basic and polar, with leucine, which is neutral and non-polar, at codon 494 of the AIRE protein (p.Arg494Leu). The frequency data for this variant in the population databases is considered unreliable, as metrics indicate poor data quality at this position in the gnomAD database. This variant has not been reported in the literature in individuals affected with AIRE-related conditions. ClinVar contains an entry for this variant (Variation ID: 1042199). Invitae Evidence Modeling of protein sequence and biophysical properties (such as structural, functional, and spatial information, amino acid conservation, physicochemical variation, residue mobility, and thermodynamic stability) indicates that this missense variant is not expected to disrupt AIRE protein function with a negative predictive value of 95%. In summary, the available evidence is currently insufficient to determine the role of this variant in disease. Therefore, it has been classified as a Variant of Uncertain Significance.

Natera, Inc.
Classification: Uncertain significance for Polyglandular autoimmune syndrome type 1. Last evaluated: 2020-01-11. Review status: no assertion criteria provided. Collection method: clinical testing. Allele origin: germline. Not counted in ClinVar's aggregate classification.